The following is an entry in ClinVar:

ClinVar aggregate classification (germline): Uncertain significance. Review status: criteria provided, multiple submitters, no conflicts (2 of 4 stars). 2 submissions from 2 submitters: Uncertain significance (2). Last evaluated 2024-02-09.

Conditions:
Joubert syndrome 5 (JBTS5). Identifiers: Orphanet 2318, MedGen C1857780, MONDO:0012432, OMIM 610188.
Senior-Loken syndrome 6 (SLSN6). Identifiers: Orphanet 3156, MedGen C1857779, MONDO:0012433, OMIM 610189.
Bardet-Biedl syndrome 14 (BBS14). Identifiers: Orphanet 110, MedGen C2673874, MONDO:0014442, OMIM 615991.
Leber congenital amaurosis 10 (LCA10). Identifiers: Orphanet 65, MedGen C1857821, MONDO:0012723, OMIM 611755.
Meckel syndrome, type 4 (MKS4). Also called: MECKEL-GRUBER SYNDROME, TYPE 4. Identifiers: Orphanet 564, MedGen C1970161, MONDO:0012626, OMIM 611134.
Joubert syndrome. Also called: CEREBELLOPARENCHYMAL DISORDER IV; JOUBERT-BOLTSHAUSER SYNDROME; Familial aplasia of the vermis. Identifiers: Orphanet 475, MedGen C5979921, MONDO:0018772.
Nephronophthisis. Also called: Juvenile Nephronophthisis. Identifiers: Orphanet 655, MedGen C0687120, MONDO:0019005, HP:0000090.
Meckel-Gruber syndrome. Also called: DYSENCEPHALIA SPLANCHNOCYSTICA; GRUBER SYNDROME; Dysencephalia splachnocystica. Identifiers: Orphanet 564, MedGen C0265215, MONDO:0018921.

Allele frequency attached by ClinVar (database versions not stated): gnomAD exomes below 0.00001; TOPMed below 0.00001; gnomAD 0.00001.
gnomAD v4.1: 3 of 1,161,566 alleles (0.00026%); highest among the groups gnomAD compares: African/African-American, 0.0016%; no homozygotes.

Submissions (2):

Fulgent Genetics
Classification: Uncertain significance for Joubert syndrome 5; Senior-Loken syndrome 6; Meckel syndrome, type 4; Leber congenital amaurosis 10; Bardet-Biedl syndrome 14. Last evaluated: 2024-02-09. Review status: criteria provided, single submitter. Criteria: ACMG Guidelines, 2015. Collection method: clinical testing. Allele origin: germline.

Labcorp Genetics (formerly Invitae), Labcorp
Classification: Uncertain significance for Joubert syndrome; Meckel-Gruber syndrome; Nephronophthisis. Last evaluated: 2022-06-24. Review status: criteria provided, single submitter. Criteria: Invitae Variant Classification Sherloc (09022015). Collection method: clinical testing. Allele origin: germline.
Comment: This sequence change replaces asparagine, which is neutral and polar, with serine, which is neutral and polar, at codon 1346 of the CEP290 protein (p.Asn1346Ser). This variant is not present in population databases (gnomAD no frequency). This variant has not been reported in the literature in individuals affected with CEP290-related conditions. Algorithms developed to predict the effect of missense changes on protein structure and function output the following: SIFT: "Tolerated"; PolyPhen-2: "Benign"; Align-GVGD: "Class C0". The serine amino acid residue is found in multiple mammalian species, which suggests that this missense change does not adversely affect protein function. In summary, the available evidence is currently insufficient to determine the role of this variant in disease. Therefore, it has been classified as a Variant of Uncertain Significance.

NM_025114.4(CEP290):c.4037A>G (p.Asn1346Ser)

Gene: CEP290 (centrosomal protein 290; minus strand). Cytogenetic location: 12q21.32.
Variant type: single nucleotide variant.
Coding change: c.4037A>G on transcript NM_025114.4 (MANE Select); coding-DNA position 4037, A replaced by G.
Protein change: p.Asn1346Ser; replaces asparagine 1346 with serine.
Molecular consequence: missense variant.
Genome position (GRCh38, 1-based): chr12:88,087,937, T>C on the plus strand (A>G on the coding strand, the complement: CEP290 is on the minus strand). VCF-style: chr12-88087937-T-C. GRCh37 (hg19) VCF-style: chr12-88481714-T-C.
Other names: short protein forms N1346S.
Identifiers: ClinVar variation 2110348 (VCV002110348.2), dbSNP rs1470809740, ClinGen allele CA385999354.